The following is an entry in ClinVar:

NM_001376.5(DYNC1H1):c.2868+2_2868+5delinsCCACAAA

Gene: DYNC1H1 (dynein cytoplasmic 1 heavy chain 1; plus strand). Cytogenetic location: 14q32.31.
Variant type: Indel.
Coding change: c.2868+2_2868+5delinsCCACAAA on transcript NM_001376.5 (MANE Select); the canonical splice donor site of the intron after coding-DNA position 2868 through 5 bases into the intron after coding-DNA position 2868, TGAG replaced by CCACAAA.
Molecular consequence: splice donor variant.
Genome position (GRCh38, 1-based): chr14:101,988,854-101,988,857, TGAG replaced by CCACAAA. VCF-style: chr14-101988854-TGAG-CCACAAA. GRCh37 (hg19) VCF-style: chr14-102455191-TGAG-CCACAAA.
Identifiers: ClinVar variation 1251929 (VCV001251929.1), dbSNP rs2141276717, ClinGen allele CA2499222519.

ClinVar aggregate classification (germline): Likely pathogenic (1 of 4 stars; one submission).

Conditions:
Cortical dysplasia, complex, with other brain malformations 13. Also called: Intellectual disability, autosomal dominant 13. Identifiers: MedGen C3281202, MONDO:0013805, OMIM 614563.

Submission:

HudsonAlpha Institute for Biotechnology
Classification: Likely pathogenic for Cortical dysplasia, complex, with other brain malformations 13. Last evaluated: 2020-10-30. Review status: criteria provided, single submitter. Criteria: ACMG Guidelines, 2015. Collection method: research. Allele origin: de novo. Affected: yes. Observed: 1 variant allele. Study: HudsonAlpha-AGHI-WGS.
Comment: ACMG codes:PS2, PM2